The following is an entry in ClinVar:

ClinVar aggregate classification (germline): Conflicting classifications of pathogenicity. Review status: criteria provided, conflicting classifications (1 of 4 stars). 4 submissions from 4 submitters: Uncertain significance (2); Likely benign (2). Last evaluated 2025-12-18.

Conditions:
Van Maldergem syndrome 2 (VMLDS2). Identifiers: Orphanet 314679, MedGen C3809875, MONDO:0014242, OMIM 615546.
Hennekam lymphangiectasia-lymphedema syndrome 2 (HKLLS2). Identifiers: Orphanet 2136, MedGen C4014939, MONDO:0014454, OMIM 616006.
Inborn genetic diseases. Identifiers: MedGen C0950123, MeSH D030342.

Allele frequency attached by ClinVar (database versions not stated): gnomAD exomes 0.00003 and 0.00010; ESP Exome Variant Server 0.00008; ExAC 0.00012; 1000 Genomes Project 30x 0.00016; 1000 Genomes Project 0.00020; TOPMed 0.00025; gnomAD 0.00032 and 0.00034.
gnomAD v4.1: 97 of 1,614,008 alleles (0.006%); highest among the groups gnomAD compares: African/African-American, 0.061%; no homozygotes.

Submissions (4):

Labcorp Genetics (formerly Invitae), Labcorp
Classification: Likely benign. Last evaluated: 2025-12-18. Review status: criteria provided, single submitter. Criteria: Invitae Variant Classification Sherloc (09022015). Collection method: clinical testing. Allele origin: germline.

Fulgent Genetics
Classification: Likely benign for Van Maldergem syndrome 2; Hennekam lymphangiectasia-lymphedema syndrome 2. Last evaluated: 2024-04-16. Review status: criteria provided, single submitter. Criteria: ACMG Guidelines, 2015. Collection method: clinical testing. Allele origin: germline.

Ambry Genetics
Classification: Uncertain significance for Inborn genetic diseases. Last evaluated: 2024-01-29. Review status: criteria provided, single submitter. Criteria: Ambry Variant Classification Scheme 2023. Collection method: clinical testing. Allele origin: germline.

GeneDx
Classification: Uncertain significance. Last evaluated: 2022-08-30. Review status: criteria provided, single submitter. Criteria: GeneDx Variant Classification Process June 2021. Collection method: clinical testing. Allele origin: germline. Affected: yes.
Comment: In silico analysis supports that this missense variant does not alter protein structure/function; Has not been previously published as pathogenic or benign to our knowledge

NM_001291303.3(FAT4):c.5054G>A (p.Arg1685Gln)

Gene: FAT4 (FAT atypical cadherin 4; plus strand). Cytogenetic location: 4q28.1.
Variant type: single nucleotide variant.
Coding change: c.5054G>A on transcript NM_001291303.3 (MANE Select); coding-DNA position 5054, G replaced by A.
Protein change: p.Arg1685Gln; replaces arginine 1685 with glutamine.
Molecular consequence: missense variant.
Genome position (GRCh38, 1-based): chr4:125,321,465, G>A. VCF-style: chr4-125321465-G-A. GRCh37 (hg19) VCF-style: chr4-126242620-G-A.
Other names: c.5054G>A, p.Arg1685Gln (NM_001291285.3, NM_024582.6); c.5054G>A (NM_024582.5); short protein forms R1685Q.
Identifiers: ClinVar variation 1561574 (VCV001561574.11), dbSNP rs376422522, ClinGen allele CA3072568.